The following is an entry in ClinVar:

ClinVar aggregate classification (germline): Pathogenic. Review status: criteria provided, single submitter (1 of 4 stars). 2 submissions from 2 submitters: Pathogenic (1). 1 of the submissions does not count toward it. Last evaluated 2024-09-27.

Conditions:
Hereditary spastic paraplegia 3A (SPG3A). Also called: SPASTIC PARAPLEGIA 3, AUTOSOMAL DOMINANT; FAMILIAL SPASTIC PARAPLEGIA, AUTOSOMAL DOMINANT, 1; SPG3; STRUMPELL DISEASE; Spastic Paraplegia 3A; Spastic paraplegia 3A, autosomal dominant. Identifiers: Orphanet 100984, MedGen C2931355, MONDO:0008437, OMIM 182600.

Submissions (2):

Labcorp Genetics (formerly Invitae), Labcorp
Classification: Pathogenic for Hereditary spastic paraplegia 3A. Last evaluated: 2024-09-27. Review status: criteria provided, single submitter. Criteria: Invitae Variant Classification Sherloc (09022015). Collection method: clinical testing. Allele origin: germline.
Comment: This sequence change replaces serine, which is neutral and polar, with tyrosine, which is neutral and polar, at codon 259 of the ATL1 protein (p.Ser259Tyr). This variant is not present in population databases (gnomAD no frequency). This missense change has been observed in individuals with autosomal dominant hereditary spastic paraplegia (PMID: 11685207, 29907907). It has also been observed to segregate with disease in related individuals. ClinVar contains an entry for this variant (Variation ID: 4347). Invitae Evidence Modeling of protein sequence and biophysical properties (such as structural, functional, and spatial information, amino acid conservation, physicochemical variation, residue mobility, and thermodynamic stability) has been performed for this missense variant. However, the output from this modeling did not meet the statistical confidence thresholds required to predict the impact of this variant on ATL1 protein function. Experimental studies are conflicting or provide insufficient evidence to determine the effect of this variant on ATL1 function (PMID: 25761634). This variant disrupts the p.Ser259 amino acid residue in ATL1. Other variant(s) that disrupt this residue have been determined to be pathogenic (PMID: 19459885, 29691679). This suggests that this residue is clinically significant, and that variants that disrupt this residue are likely to be disease-causing. For these reasons, this variant has been classified as Pathogenic.

OMIM
Classification: Pathogenic for SPASTIC PARAPLEGIA 3, AUTOSOMAL DOMINANT. Last evaluated: 2001-11-01. Review status: no assertion criteria provided. Collection method: literature only. Allele origin: germline. Not counted in ClinVar's aggregate classification.

Literature cited by the submitters: PubMed 11685207 (cited by Labcorp Genetics (formerly Invitae), Labcorp and OMIM); PubMed 29907907 (cited by Labcorp Genetics (formerly Invitae), Labcorp); PubMed 25761634 (cited by Labcorp Genetics (formerly Invitae), Labcorp); PubMed 19459885 (cited by Labcorp Genetics (formerly Invitae), Labcorp); PubMed 29691679 (cited by Labcorp Genetics (formerly Invitae), Labcorp).

NM_015915.5(ATL1):c.776C>A (p.Ser259Tyr)

Gene: ATL1 (atlastin GTPase 1; plus strand). Cytogenetic location: 14q22.1.
Variant type: single nucleotide variant.
Coding change: c.776C>A on transcript NM_015915.5 (MANE Select); coding-DNA position 776, C replaced by A.
Protein change: p.Ser259Tyr; replaces serine 259 with tyrosine.
Molecular consequence: missense variant.
Genome position (GRCh38, 1-based): chr14:50,614,425, C>A. VCF-style: chr14-50614425-C-A. GRCh37 (hg19) VCF-style: chr14-51081143-C-A.
Other names: c.776C>A, p.Ser259Tyr (NM_001127713.1, NM_181598.4); short protein forms S259Y.
Identifiers: ClinVar variation 4347 (VCV000004347.10), dbSNP rs119476047, ClinGen allele CA253127.